The following is an entry in ClinVar:

NM_007294.4(BRCA1):c.5178A>C (p.Arg1726Ser)

Gene: BRCA1 (BRCA1 DNA repair associated; minus strand). Cytogenetic location: 17q21.31.
Variant type: single nucleotide variant.
Coding change: c.5178A>C on transcript NM_007294.4 (MANE Select); coding-DNA position 5178, A replaced by C.
Protein change: p.Arg1726Ser; replaces arginine 1726 with serine.
Molecular consequence: missense variant. On other transcripts: non-coding transcript variant (1).
Genome position (GRCh38, 1-based): chr17:43,063,348, T>G on the plus strand (A>C on the coding strand, the complement: BRCA1 is on the minus strand). VCF-style: chr17-43063348-T-G. GRCh37 (hg19) VCF-style: chr17-41215365-T-G.
Other names: c.4965A>C, p.Arg1655Ser (NM_001407909.1, NM_001407910.1, NM_001407571.1 and 12 more transcripts); c.4962A>C, p.Arg1654Ser (NM_001407915.1, NM_001407916.1, NM_001407917.1 and 1 more transcripts); c.4914A>C, p.Arg1638Ser (NM_001407926.1, NM_001407920.1, NM_001407921.1 and 4 more transcripts); c.4911A>C, p.Arg1637Ser (NM_001407927.1, NM_001407928.1, NM_001407929.1 and 4 more transcripts); c.4908A>C, p.Arg1636Ser (NM_001407934.1, NM_001407935.1, NM_001407936.1); c.5034A>C, p.Arg1678Ser (NM_001407945.1, NM_001407734.1, NM_001407735.1 and 21 more transcripts); c.4845A>C, p.Arg1615Ser (NM_001407946.1, NM_001407947.1, NM_001407948.1 and 1 more transcripts); c.4842A>C, p.Arg1614Ser (NM_001407950.1, NM_001407951.1, NM_001407952.1 and 3 more transcripts); and 72 more; short protein forms R1747S, R1679S, R1726S, R622S, R1636S, R1655S, R1685S, R1706S.
Identifiers: ClinVar variation 865083 (VCV000865083.3), dbSNP rs2051860476, ClinGen allele CA10591189.
Genomic context (GRCh38, chr17:43,063,348, plus strand): 5'-GACTGAATGAATATCTCTGGTTAGTTTGTAACATCAAGTACTTACCTCATTCAGCATTTT[T>G]CTTTCTTTAATAGACTGGGTCACCCCTAAAGAGATCATAGAAAAGACAGGTTACATACAG-3'
Protein context (NP_009225.1, residues 1716-1736): YFWVTQSIKE[Arg1726Ser]KMLNEHDFEV

Conditions:
Breast-ovarian cancer, familial, susceptibility to, 1 (BROVCA1). Also called: BRCA1 Hereditary Breast and Ovarian Cancer; OVARIAN CANCER, SUSCEPTIBILITY TO. Identifiers: Orphanet 145, MedGen C2676676, MONDO:0011450, OMIM 604370. Disease mechanism: loss of function.

Submission:

Brotman Baty Institute, University of Washington
No classification provided (evidence only). Condition: Breast-ovarian cancer, familial 1. Review status: no classification provided. Collection method: in vitro. Allele origin: not applicable. Functional consequence: functionally_normal.
ClinVar note: "not provided" was previously submitted as the classification for the variant. However, the classification appeared to be based only on an observation of functional data so it was converted to no classification on 2025-07-30.